The following is an entry in ClinVar:

ClinVar aggregate classification (germline): Likely pathogenic (1 of 4 stars; one submission).

Conditions:
Exostoses, multiple, type 2 (EXT2). Also called: Hereditary Multiple Osteochondromatosis, Type II; EXOSTOSES, MULTIPLE, TYPE II. Identifiers: Orphanet 321, MedGen C1851413, MONDO:0007586, OMIM 133701.

Submission:

Labcorp Genetics (formerly Invitae), Labcorp
Classification: Likely pathogenic for Exostoses, multiple, type 2. Last evaluated: 2023-05-11. Review status: criteria provided, single submitter. Criteria: Invitae Variant Classification Sherloc (09022015). Collection method: clinical testing. Allele origin: germline.
Comment: This missense change has been observed in individual(s) with hereditary multiple osteochondromatosis (PMID: 19839753; Invitae). In summary, the currently available evidence indicates that the variant is pathogenic, but additional data are needed to prove that conclusively. Therefore, this variant has been classified as Likely Pathogenic. Advanced modeling of protein sequence and biophysical properties (such as structural, functional, and spatial information, amino acid conservation, physicochemical variation, residue mobility, and thermodynamic stability) performed at Invitae indicates that this missense variant is expected to disrupt EXT2 protein function. This variant is not present in population databases (gnomAD no frequency). This sequence change replaces leucine, which is neutral and non-polar, with arginine, which is basic and polar, at codon 133 of the EXT2 protein (p.Leu133Arg).

Literature cited by the submitters: PubMed 19839753.

NM_207122.2(EXT2):c.398T>G (p.Leu133Arg)

Gene: EXT2 (exostosin glycosyltransferase 2; plus strand). Cytogenetic location: 11p11.2.
Variant type: single nucleotide variant.
Coding change: c.398T>G on transcript NM_207122.2 (MANE Select); coding-DNA position 398, T replaced by G.
Protein change: p.Leu133Arg; replaces leucine 133 with arginine.
Molecular consequence: missense variant.
Genome position (GRCh38, 1-based): chr11:44,108,110, T>G. VCF-style: chr11-44108110-T-G. GRCh37 (hg19) VCF-style: chr11-44129660-T-G.
Other names: c.497T>G, p.Leu166Arg (NM_000401.3); c.398T>G, p.Leu133Arg (NM_001178083.3, NM_001389628.1, NM_001389630.1); short protein forms L166R, L133R.
Identifiers: ClinVar variation 2735577 (VCV002735577.3), dbSNP rs2539517042, ClinGen allele CA380180265.
Genomic context (GRCh38, chr11:44,108,110, plus strand): 5'-AGTACGTGGATGACTTTGGCGTCTCTGTCAGCAACACCATCTCCCGGGAGTATAATGAAC[T>G]GCTCATGGCCATCTCAGACAGTGACTACTACACTGATGACATCAACCGGGCCTGTCTGTT-3'
Protein context (NP_997005.1, residues 123-143): SNTISREYNE[Leu133Arg]LMAISDSDYY